The following is an entry in ClinVar:

ClinVar aggregate classification (germline): Uncertain significance. Review status: criteria provided, multiple submitters, no conflicts (2 of 4 stars). 3 submissions from 3 submitters: Uncertain significance (3). Last evaluated 2025-07-02.

Conditions:
Colorectal cancer. Also called: Colorectal cancer, somatic; Malignant Colorectal Neoplasm. Identifiers: MedGen C0346629, MONDO:0005575, OMIM 114500.

gnomAD v4.1: 16 of 1,612,430 alleles (0.00099%); highest among the groups gnomAD compares: Admixed American, 0.015%; no homozygotes.

Submissions (3):

Ambry Genetics
Classification: Uncertain significance. Last evaluated: 2025-07-02. Review status: criteria provided, single submitter. Criteria: Ambry Variant Classification Scheme 2023. Collection method: clinical testing. Allele origin: germline.

Labcorp Genetics (formerly Invitae), Labcorp
Classification: Uncertain significance. Last evaluated: 2024-03-15. Review status: criteria provided, single submitter. Criteria: Invitae Variant Classification Sherloc (09022015). Collection method: clinical testing. Allele origin: germline.
Comment: This sequence change replaces proline, which is neutral and non-polar, with arginine, which is basic and polar, at codon 609 of the DLC1 protein (p.Pro609Arg). This variant is present in population databases (rs371098007, gnomAD 0.01%). This variant has not been reported in the literature in individuals affected with DLC1-related conditions. ClinVar contains an entry for this variant (Variation ID: 2195275). Algorithms developed to predict the effect of missense changes on protein structure and function output the following: SIFT: "Not Available"; PolyPhen-2: "Benign"; Align-GVGD: "Not Available". The arginine amino acid residue is found in multiple mammalian species, which suggests that this missense change does not adversely affect protein function. In summary, the available evidence is currently insufficient to determine the role of this variant in disease. Therefore, it has been classified as a Variant of Uncertain Significance.

Fulgent Genetics
Classification: Uncertain significance for Colorectal cancer. Last evaluated: 2024-02-27. Review status: criteria provided, single submitter. Criteria: ACMG Guidelines, 2015. Collection method: clinical testing. Allele origin: germline.

NM_182643.3(DLC1):c.1826C>G (p.Pro609Arg)

Gene: DLC1 (DLC1 Rho GTPase activating protein; minus strand). Cytogenetic location: 8p22.
Variant type: single nucleotide variant.
Coding change: c.1826C>G on transcript NM_182643.3 (MANE Select); coding-DNA position 1826, C replaced by G.
Protein change: p.Pro609Arg; replaces proline 609 with arginine.
Molecular consequence: missense variant.
Genome position (GRCh38, 1-based): chr8:13,100,511, G>C on the plus strand (C>G on the coding strand, the complement: DLC1 is on the minus strand). VCF-style: chr8-13100511-G-C. GRCh37 (hg19) VCF-style: chr8-12958020-G-C.
Other names: c.293C>G, p.Pro98Arg (NM_001164271.2, NM_001348082.2, NM_001348083.1 and 6 more transcripts); c.617C>G, p.Pro206Arg (NM_001316668.2, NM_001413129.1); c.1826C>G, p.Pro609Arg (NM_001348081.2, NM_001413124.1); c.608C>G, p.Pro203Arg (NM_001413130.1); c.266C>G, p.Pro89Arg (NM_001413131.1, NM_001413137.1); c.752C>G, p.Pro251Arg (NM_001413132.1); c.515C>G, p.Pro172Arg (NM_001413135.1, NM_001413136.1, NM_001413139.1 and 1 more transcripts); c.650C>G, p.Pro217Arg (NM_001413140.1); and 1 more; short protein forms P172R, P217R, P251R, P206R, P203R, P609R, P98R, P89R.
Identifiers: ClinVar variation 2195275 (VCV002195275.6), dbSNP rs371098007, ClinGen allele CA4638793.